The following is an entry in ClinVar:

NM_020631.6(PLEKHG5):c.1897G>A (p.Val633Met)

Gene: PLEKHG5 (pleckstrin homology and RhoGEF domain containing G5; minus strand). Cytogenetic location: 1p36.31.
Variant type: single nucleotide variant.
Coding change: c.1897G>A on transcript NM_020631.6 (MANE Select); coding-DNA position 1897, G replaced by A.
Protein change: p.Val633Met; replaces valine 633 with methionine.
Molecular consequence: missense variant.
Genome position (GRCh38, 1-based): chr1:6,469,580, C>T on the plus strand (G>A on the coding strand, the complement: PLEKHG5 is on the minus strand). VCF-style: chr1-6469580-C-T. GRCh37 (hg19) VCF-style: chr1-6529640-C-T.
Other names: c.2008G>A, p.Val670Met (NM_001042663.3, NM_001265592.2); c.1897G>A, p.Val633Met (NM_001042664.2, NM_001265594.3, NM_198681.4 and 1 more transcripts); c.2104G>A, p.Val702Met (NM_001265593.2); short protein forms V633M, V702M, V670M.
Identifiers: ClinVar variation 839629 (VCV000839629.9), dbSNP rs768944520, ClinGen allele CA561322.

ClinVar aggregate classification (germline): Uncertain significance. Review status: criteria provided, multiple submitters, no conflicts (2 of 4 stars). 3 submissions from 3 submitters: Uncertain significance (3). Last evaluated 2025-01-28.

Conditions:
Inborn genetic diseases. Identifiers: MedGen C0950123, MeSH D030342.
Neuronopathy, distal hereditary motor, autosomal recessive 4. Also called: Autosomal recessive lower motor neuron disease with childhood onset; NEUROPATHY, DISTAL HEREDITARY MOTOR, AUTOSOMAL RECESSIVE 4. Identifiers: Orphanet 206580, MedGen C1970211, MONDO:0012608, OMIM 611067.
Charcot-Marie-Tooth disease recessive intermediate C. Also called: CHARCOT-MARIE-TOOTH NEUROPATHY, RECESSIVE INTERMEDIATE C. Identifiers: Orphanet 369867, MedGen C3809309, MONDO:0014154, OMIM 615376.

Allele frequency attached by ClinVar (database versions not stated): gnomAD 0.00002; ExAC 0.00004; gnomAD exomes 0.00004; TOPMed 0.00011.

Submissions (3):

GeneDx
Classification: Uncertain significance. Last evaluated: 2025-01-28. Review status: criteria provided, single submitter. Criteria: GeneDx Variant Classification Process June 2021. Collection method: clinical testing. Allele origin: germline. Affected: yes.
Comment: Not observed at significant frequency in large population cohorts (gnomAD); In silico analysis indicates that this missense variant does not alter protein structure/function; Has not been previously published as pathogenic or benign to our knowledge

Ambry Genetics
Classification: Uncertain significance for Inborn genetic diseases. Last evaluated: 2023-12-13. Review status: criteria provided, single submitter. Criteria: Ambry Variant Classification Scheme 2023. Collection method: clinical testing. Allele origin: germline.

Labcorp Genetics (formerly Invitae), Labcorp
Classification: Uncertain significance for Neuronopathy, distal hereditary motor, autosomal recessive 4; Charcot-Marie-Tooth disease recessive intermediate C. Last evaluated: 2022-08-16. Review status: criteria provided, single submitter. Criteria: Invitae Variant Classification Sherloc (09022015). Collection method: clinical testing. Allele origin: germline.
Comment: This sequence change replaces valine, which is neutral and non-polar, with methionine, which is neutral and non-polar, at codon 633 of the PLEKHG5 protein (p.Val633Met). This variant is present in population databases (rs768944520, gnomAD 0.01%). This variant has not been reported in the literature in individuals affected with PLEKHG5-related conditions. ClinVar contains an entry for this variant (Variation ID: 839629). Algorithms developed to predict the effect of missense changes on protein structure and function (SIFT, PolyPhen-2, Align-GVGD) all suggest that this variant is likely to be tolerated. In summary, the available evidence is currently insufficient to determine the role of this variant in disease. Therefore, it has been classified as a Variant of Uncertain Significance.